The following is an entry in ClinVar:

NM_000059.4(BRCA2):c.4501_4506dup (p.Gln1502_Leu1503insAsnGln)

Gene: BRCA2 (BRCA2 DNA repair associated; plus strand). Cytogenetic location: 13q13.1.
Variant type: Duplication.
Coding change: c.4501_4506dup on transcript NM_000059.4 (MANE Select); coding-DNA positions 4501 to 4506, 6 bases duplicated (AATCAA; older notation c.4501_4506dupAATCAA).
Protein change: p.Gln1502_Leu1503insAsnGln.
Molecular consequence: inframe insertion. On other transcripts: non-coding transcript variant (1), intron variant (2).
Genome position (GRCh38, 1-based): chr13:32,338,856-32,338,861, AATCAA duplicated; duplicating any 6 consecutive bases within chr13:32,338,855-32,338,861 gives the same sequence; the c. name uses the placement nearest the transcript's 3' end. VCF-style (leftmost placement, unchanged base first): chr13-32338854-G-GAAATCA. GRCh37 (hg19) VCF-style: chr13-32912991-G-GAAATCA.
Other names: c.4501_4506dup, p.Gln1502_Leu1503insAsnGln (NM_001406719.1, NM_001406720.1, NM_001432077.1); c.1909+5469_1909+5474dup (NM_001406721.1); c.425-5702_425-5697dup (NM_001406722.1).
Identifiers: ClinVar variation 4719943 (VCV004719943.1).
Genomic context (GRCh38, chr13:32,338,854, plus strand): 5'-ATGAGGAAACAGACATAGTTAAACACAAAATACTGAAAGAAAGTGTCCCAGTTGGTACTG[G>GAAATCA]AAATCAACTAGTGACCTTCCAGGGACAACCCGAACGTGATGAAAAGATCAAAGAACCTAC-3'

ClinVar aggregate classification (germline): Uncertain significance (1 of 4 stars; one submission).

Conditions:
Hereditary breast ovarian cancer syndrome. Also called: Hereditary breast and ovarian cancer syndrome; Hereditary breast and ovarian cancer syndrome (HBOC); Breast and ovarian cancer; BRCA1- and BRCA2-Associated Hereditary Breast and Ovarian Cancer; Hereditary breast and/or ovarian cancer syndrome; Hereditary breast and ovarian cancer. Identifiers: Orphanet 145, MedGen C0677776, MeSH D061325, MONDO:0003582. Disease mechanism: loss of function.

Submission:

Labcorp Genetics (formerly Invitae), Labcorp
Classification: Uncertain significance for Hereditary breast ovarian cancer syndrome. Last evaluated: 2025-05-21. Review status: criteria provided, single submitter. Criteria: Invitae Variant Classification Sherloc (09022015). Collection method: clinical testing. Allele origin: germline.
Comment: This variant, c.4501_4506dup, results in the insertion of 2 amino acid(s) of the BRCA2 protein (p.Asn1501_Gln1502dup), but otherwise preserves the integrity of the reading frame. This variant is not present in population databases (gnomAD no frequency). This variant has not been reported in the literature in individuals affected with BRCA2-related conditions. In summary, the available evidence is currently insufficient to determine the role of this variant in disease. Therefore, it has been classified as a Variant of Uncertain Significance.